The following is an entry in ClinVar:

GRCh38/hg38 9q21.33(chr9:84797249-85664850)x3

Genes: AGTPBP1 (ATP/GTP binding carboxypeptidase 1; minus strand), NTRK2 (neurotrophic receptor tyrosine kinase 2; plus strand), LOC126860661 (MED14-independent group 3 enhancer GRCh37_chr9:87466721-87467920; plus strand), LOC126860662 (P300/CBP strongly-dependent group 1 enhancer GRCh37_chr9:87659683-87660882; plus strand), LOC126860663 (CDK7 strongly-dependent group 2 enhancer GRCh37_chr9:87872518-87873717; plus strand) and 4 more. Cytogenetic location: 9q21.33.
Variant type: copy number gain.
Change: copy number 3 (three copies instead of two) of chr9:84,797,249-85,664,850 (867.6 kb, GRCh38 coordinates, 1-based), cytogenetic band 9q21.33.
Identifiers: ClinVar variation 155468 (VCV000155468.3).

ClinVar aggregate classification (germline): conflicting data from submitters (0 of 4 stars; one submission).

Submission:

ISCA site 1
Classification: conflicting data from submitters. Last evaluated: 2015-06-22. Review status: no assertion criteria provided. Collection method: clinical testing. Allele origin: unknown, maternal, paternal. Affected: yes. Observed: 3 variant alleles. Clinical features observed: Autism (HP:0000717), Nystagmus (HP:0000639), Delayed speech and language development (HP:0000750), Muscular hypotonia (HP:0001252), Failure to thrive (HP:0001508), Delayed gross motor development (HP:0002194), Hearing impairment (HP:0000365), Abnormal facial shape (HP:0002260).
Comment: Uncertain significance(1), Likely benign (2)

Copy number variation identified through the course of routine clinical cytogenomic testing in postnatal populations, with clinical assertions as classified by the original submitter. For data from the original published study, Kaminsky, et al. 2011 (PubMed 21844811), please see nstd101.